The following is an entry in ClinVar:

NM_001042492.3(NF1):c.7670A>C (p.Gln2557Pro)

Gene: NF1 (neurofibromin 1; plus strand). Cytogenetic location: 17q11.2.
Variant type: single nucleotide variant.
Coding change: c.7670A>C on transcript NM_001042492.3 (MANE Select); coding-DNA position 7670, A replaced by C.
Protein change: p.Gln2557Pro; replaces glutamine 2557 with proline.
Molecular consequence: missense variant.
Genome position (GRCh38, 1-based): chr17:31,356,514, A>C. VCF-style: chr17-31356514-A-C. GRCh37 (hg19) VCF-style: chr17-29683532-A-C.
Other names: c.7607A>C, p.Gln2536Pro (NM_000267.4); short protein forms Q2536P, Q2557P.
Identifiers: ClinVar variation 950933 (VCV000950933.8), dbSNP rs2070273995, ClinGen allele CA399018090.

ClinVar aggregate classification (germline): Conflicting classifications of pathogenicity. Review status: criteria provided, conflicting classifications (1 of 4 stars). 2 submissions from 2 submitters: Uncertain significance (1); Likely benign (1). Last evaluated 2026-09-11.

Conditions:
Hereditary cancer-predisposing syndrome. Also called: Neoplastic Syndromes, Hereditary; Hereditary Cancer Syndrome; Tumor predisposition; Hereditary neoplastic syndrome. Identifiers: Orphanet 140162, MedGen C0027672, MeSH D009386, MONDO:0015356.
Cardiovascular phenotype. Identifiers: MedGen CN230736.
Neurofibromatosis, type 1 (NF1). Also called: Peripheral type neurofibromatosis; VON RECKLINGHAUSEN DISEASE; Neurofibromatosis, type I; NEUROFIBROMATOSIS, TYPE I, SOMATIC. Identifiers: Orphanet 636, MedGen C0027831, MONDO:0018975, OMIM 162200. Disease mechanism: loss of function.

Submissions (2):

Ambry Genetics
Classification: Likely benign for Cardiovascular phenotype; Hereditary cancer-predisposing syndrome. Last evaluated: 2026-09-11. Review status: criteria provided, single submitter. Criteria: Ambry Variant Classification Scheme 2023. Collection method: clinical testing. Allele origin: germline.

Labcorp Genetics (formerly Invitae), Labcorp
Classification: Uncertain significance for Neurofibromatosis, type 1. Last evaluated: 2026-01-07. Review status: criteria provided, single submitter. Criteria: Invitae Variant Classification Sherloc (09022015). Collection method: clinical testing. Allele origin: germline.
Comment: This sequence change replaces glutamine, which is neutral and polar, with proline, which is neutral and non-polar, at codon 2536 of the NF1 protein (p.Gln2536Pro). This variant is not present in population databases (gnomAD no frequency). This variant has not been reported in the literature in individuals affected with NF1-related conditions. ClinVar contains an entry for this variant (Variation ID: 950933). Invitae Evidence Modeling of protein sequence and biophysical properties (such as structural, functional, and spatial information, amino acid conservation, physicochemical variation, residue mobility, and thermodynamic stability) indicates that this missense variant is not expected to disrupt NF1 protein function with a negative predictive value of 95%. In summary, the available evidence is currently insufficient to determine the role of this variant in disease. Therefore, it has been classified as a Variant of Uncertain Significance.